The following is an entry in ClinVar:

NM_004320.6(ATP2A1):c.562A>G (p.Ile188Val)

Gene: ATP2A1 (ATPase sarcoplasmic/endoplasmic reticulum Ca2+ transporting 1; plus strand). Cytogenetic location: 16p11.2.
Variant type: single nucleotide variant.
Coding change: c.562A>G on transcript NM_004320.6 (MANE Select); coding-DNA position 562, A replaced by G.
Protein change: p.Ile188Val; replaces isoleucine 188 with valine.
Molecular consequence: missense variant.
Genome position (GRCh38, 1-based): chr16:28,887,206, A>G. VCF-style: chr16-28887206-A-G. GRCh37 (hg19) VCF-style: chr16-28898527-A-G.
Other names: c.562A>G (NM_173201.4); c.187A>G, p.Ile63Val (NM_001286075.2); c.562A>G, p.Ile188Val (NM_173201.5); short protein forms I188V, I63V.
Identifiers: ClinVar variation 2213510 (VCV002213510.7), dbSNP rs769354145, ClinGen allele CA7986695.
Genomic context (GRCh38, chr16:28,887,206, plus strand): 5'-GGACATGATGTCATCCGAAAACCCCTTGGCCCCTTCTCCACAGGCGAGTCTGTATCTGTC[A>G]TCAAACACACGGAGCCCGTTCCTGACCCCCGAGCTGTCAACCAGGACAAGAAGAACATGC-3'
Protein context (NP_004311.1, residues 178-198): SILTGESVSV[Ile188Val]KHTEPVPDPR

ClinVar aggregate classification (germline): Uncertain significance. Review status: criteria provided, multiple submitters, no conflicts (2 of 4 stars). 3 submissions from 3 submitters: Uncertain significance (3). Last evaluated 2024-12-24.

Conditions:
Brody myopathy. Also called: BRODY DISEASE. Identifiers: Orphanet 53347, MedGen C1832918, MONDO:0010977, OMIM 601003.
Inborn genetic diseases. Identifiers: MedGen C0950123, MeSH D030342.

Allele frequency attached by ClinVar (database versions not stated): TOPMed below 0.00001; gnomAD 0.00001; gnomAD exomes 0.00004; ExAC 0.00005.
gnomAD v4.1: 54 of 1,613,764 alleles (0.0033%); highest among the groups gnomAD compares: South Asian, 0.056%; 2 homozygotes.

Submissions (3):

Ambry Genetics
Classification: Uncertain significance for Inborn genetic diseases. Last evaluated: 2024-12-24. Review status: criteria provided, single submitter. Criteria: Ambry Variant Classification Scheme 2023. Collection method: clinical testing. Allele origin: germline.

Labcorp Genetics (formerly Invitae), Labcorp
Classification: Uncertain significance for Brody myopathy. Last evaluated: 2024-12-07. Review status: criteria provided, single submitter. Criteria: Invitae Variant Classification Sherloc (09022015). Collection method: clinical testing. Allele origin: germline.
Comment: This sequence change replaces isoleucine, which is neutral and non-polar, with valine, which is neutral and non-polar, at codon 188 of the ATP2A1 protein (p.Ile188Val). This variant is present in population databases (rs769354145, gnomAD 0.05%), including at least one homozygous and/or hemizygous individual. This variant has not been reported in the literature in individuals affected with ATP2A1-related conditions. ClinVar contains an entry for this variant (Variation ID: 2213510). An algorithm developed to predict the effect of missense changes on protein structure and function (PolyPhen-2) suggests that this variant is likely to be disruptive. In summary, the available evidence is currently insufficient to determine the role of this variant in disease. Therefore, it has been classified as a Variant of Uncertain Significance.

Revvity Omics, Revvity
Classification: Uncertain significance for Brody myopathy. Last evaluated: 2019-11-30. Review status: criteria provided, single submitter. Criteria: ACMG Guidelines, 2015. Collection method: clinical testing. Allele origin: germline.